The following is an entry in ClinVar:

NM_016816.4(OAS1):c.65C>T (p.Pro22Leu)

Genes: OAS1 (2'-5'-oligoadenylate synthetase 1; plus strand), LOC130008812 (ATAC-STARR-seq lymphoblastoid active region 7052; plus strand). Cytogenetic location: 12q24.13.
Variant type: single nucleotide variant.
Coding change: c.65C>T on transcript NM_016816.4 (MANE Select); coding-DNA position 65, C replaced by T.
Protein change: p.Pro22Leu; replaces proline 22 with leucine.
Molecular consequence: missense variant.
Genome position (GRCh38, 1-based): chr12:112,907,104, C>T. VCF-style: chr12-112907104-C-T. GRCh37 (hg19) VCF-style: chr12-113344909-C-T.
Other names: c.65C>T, p.Pro22Leu (NM_001032409.3, NM_001320151.2, NM_002534.4); short protein forms P22L.
Identifiers: ClinVar variation 1439604 (VCV001439604.8), dbSNP rs370284276, ClinGen allele CA243745454.

ClinVar aggregate classification (germline): Uncertain significance (1 of 4 stars; one submission).

Allele frequency attached by ClinVar (database versions not stated): gnomAD exomes below 0.00001; TOPMed below 0.00001; gnomAD 0.00002; ESP Exome Variant Server 0.00008.
gnomAD v4.1: 7 of 1,614,106 alleles (0.00043%); highest among the groups gnomAD compares: African/African-American, 0.0093%; no homozygotes.

Submission:

Labcorp Genetics (formerly Invitae), Labcorp
Classification: Uncertain significance. Last evaluated: 2022-11-01. Review status: criteria provided, single submitter. Criteria: Invitae Variant Classification Sherloc (09022015). Collection method: clinical testing. Allele origin: germline.
Comment: In summary, the available evidence is currently insufficient to determine the role of this variant in disease. Therefore, it has been classified as a Variant of Uncertain Significance. Algorithms developed to predict the effect of missense changes on protein structure and function are either unavailable or do not agree on the potential impact of this missense change (SIFT: "Not Available"; PolyPhen-2: "Possibly Damaging"; Align-GVGD: "Not Available"). This sequence change replaces proline, which is neutral and non-polar, with leucine, which is neutral and non-polar, at codon 22 of the OAS1 protein (p.Pro22Leu). This variant is present in population databases (rs370284276, gnomAD 0.02%). This variant has not been reported in the literature in individuals affected with OAS1-related conditions. ClinVar contains an entry for this variant (Variation ID: 1439604).